The following is an entry in ClinVar:

NM_004333.6(BRAF):c.379A>G (p.Ser127Gly)

Gene: BRAF (B-Raf proto-oncogene, serine/threonine kinase; minus strand). Cytogenetic location: 7q34.
Variant type: single nucleotide variant.
Coding change: c.379A>G on transcript NM_004333.6 (MANE Select); coding-DNA position 379, A replaced by G.
Protein change: p.Ser127Gly; replaces serine 127 with glycine.
Molecular consequence: missense variant. On other transcripts: intron variant (1).
Genome position (GRCh38, 1-based): chr7:140,834,734, T>C on the plus strand (A>G on the coding strand, the complement: BRAF is on the minus strand). VCF-style: chr7-140834734-T-C. GRCh37 (hg19) VCF-style: chr7-140534534-T-C.
Other names: c.277A>G, p.Ser93Gly (NM_001378470.1); c.379A>G, p.Ser127Gly (NM_001378471.1, NM_001378474.1, NM_001354609.2 and 5 more transcripts); c.223A>G, p.Ser75Gly (NM_001378472.1, NM_001378473.1); c.240+15377A>G (NM_001378475.1); short protein forms S127G, S93G, S75G.
Identifiers: ClinVar variation 1400217 (VCV001400217.6), dbSNP rs543425316, ClinGen allele CA168127380.
Genomic context (GRCh38, chr7:140,834,734, plus strand): 5'-TCCGTGCCACATCTGTGGGATTTTGAAAAACTGAAAGAGATGAAGGTAGCACTGAAAGGC[T>C]AGAAGAGGAAGAAGATGTAACGGTATCCATTGATGCAGAGCTAGAAACAGAAAAATCAGT-3'
Protein context (NP_004324.2, residues 117-137): MDTVTSSSSS[Ser127Gly]LSVLPSSLSV

ClinVar aggregate classification (germline): Uncertain significance (1 of 4 stars; one submission).

Conditions:
RASopathy. Also called: rasopathies; Noonan spectrum disorder. Identifiers: Orphanet 536391, MedGen C5555857, MONDO:0021060.

Allele frequency attached by ClinVar (database versions not stated): gnomAD exomes below 0.00001; gnomAD 0.00001; TOPMed 0.00001.
gnomAD v4.1: 9 of 1,614,166 alleles (0.00056%); highest among the groups gnomAD compares: East Asian, 0.016%; no homozygotes.

Submission:

Labcorp Genetics (formerly Invitae), Labcorp
Classification: Uncertain significance for RASopathy. Last evaluated: 2021-10-04. Review status: criteria provided, single submitter. Criteria: Invitae Variant Classification Sherloc (09022015). Collection method: clinical testing. Allele origin: germline.
Comment: This sequence change replaces serine with glycine at codon 127 of the BRAF protein (p.Ser127Gly). The serine residue is weakly conserved and there is a small physicochemical difference between serine and glycine. This variant is not present in population databases (ExAC no frequency). This variant has not been reported in the literature in individuals affected with BRAF-related conditions. Advanced modeling of protein sequence and biophysical properties (such as structural, functional, and spatial information, amino acid conservation, physicochemical variation, residue mobility, and thermodynamic stability) performed at Invitae indicates that this missense variant is not expected to disrupt BRAF protein function. In summary, the available evidence is currently insufficient to determine the role of this variant in disease. Therefore, it has been classified as a Variant of Uncertain Significance.